The following is an entry in ClinVar:

NM_182493.3(MYLK3):c.1696C>T (p.Gln566Ter)

Gene: MYLK3 (myosin light chain kinase 3; minus strand). Cytogenetic location: 16q11.2.
Variant type: single nucleotide variant.
Coding change: c.1696C>T on transcript NM_182493.3 (MANE Select); coding-DNA position 1696, C replaced by T.
Protein change: p.Gln566Ter; replaces glutamine 566 with a stop codon.
Molecular consequence: nonsense.
Genome position (GRCh38, 1-based): chr16:46,729,100, G>A on the plus strand (C>T on the coding strand, the complement: MYLK3 is on the minus strand). VCF-style: chr16-46729100-G-A. GRCh37 (hg19) VCF-style: chr16-46763012-G-A.
Other names: c.673C>T, p.Gln225Ter (NM_001308301.1); short protein forms Q566*, Q225*.
Identifiers: ClinVar variation 3016232 (VCV003016232.3), dbSNP rs1388421441, ClinGen allele CA395790341.
Genomic context (GRCh38, chr16:46,729,100, plus strand): 5'-TGCAGCTGTGCTTGCTCTCGAAGGCGTCATAGAGCTGGATCAGGTTCACGTGGCTGAGCT[G>A]GTTCATGATGTTGATCTCGTTCTTCACGTCCTCCTTGGGGGAACCAGAGGACAGAAGGAT-3'

ClinVar aggregate classification (germline): Uncertain significance (1 of 4 stars; one submission).

Allele frequency attached by ClinVar (database versions not stated): gnomAD exomes below 0.00001.
gnomAD v4.1: 1 of 1,614,110 alleles (0.000062%); highest among the groups gnomAD compares: Admixed American, 0.0017%; no homozygotes.

Submission:

Labcorp Genetics (formerly Invitae), Labcorp
Classification: Uncertain significance. Last evaluated: 2023-02-14. Review status: criteria provided, single submitter. Criteria: Invitae Variant Classification Sherloc (09022015). Collection method: clinical testing. Allele origin: germline.
Comment: This sequence change creates a premature translational stop signal (p.Gln566*) in the MYLK3 gene. It is expected to result in an absent or disrupted protein product. However, the current clinical and genetic evidence is not sufficient to establish whether loss-of-function variants in MYLK3 cause disease. This variant is present in population databases (no rsID available, gnomAD 0.003%). This variant has not been reported in the literature in individuals affected with MYLK3-related conditions. In summary, the available evidence is currently insufficient to determine the role of this variant in disease. Therefore, it has been classified as a Variant of Uncertain Significance.